The following is an entry in ClinVar:

ClinVar aggregate classification (germline): Uncertain significance (1 of 4 stars; one submission).

gnomAD v4.1: 2 of 1,614,026 alleles (0.00012%); highest among the groups gnomAD compares: African/African-American, 0.0027%; no homozygotes.

Submission:

Women's Health and Genetics/Laboratory Corporation of America, LabCorp
Classification: Uncertain significance. Last evaluated: 2025-04-22. Review status: criteria provided, single submitter. Criteria: LabCorp Variant Classification Summary - May 2015. Collection method: clinical testing. Allele origin: germline.
Comment: Variant summary: GP1BA c.144C>G (p.Asp48Glu) results in a conservative amino acid change in the encoded protein sequence. Five of five in-silico tools predict a benign effect of the variant on protein function. The variant allele was found at a frequency of 1.2e-06 in 1607052 control chromosomes. The available data on variant occurrences in the general population are insufficient to allow any conclusion about variant significance. To our knowledge, no occurrence of c.144C>G in individuals affected with Bernard-Soulier Syndrome, Type A2, Autosomal Dominant and no experimental evidence demonstrating its impact on protein function have been reported. No submitters have cited clinical-significance assessments for this variant to ClinVar. Based on the evidence outlined above, the variant was classified as uncertain significance.

NM_000173.7(GP1BA):c.144C>G (p.Asp48Glu)

Gene: GP1BA (glycoprotein Ib platelet subunit alpha; plus strand). Cytogenetic location: 17p13.2.
Variant type: single nucleotide variant.
Coding change: c.144C>G on transcript NM_000173.7 (MANE Select); coding-DNA position 144, C replaced by G.
Protein change: p.Asp48Glu; replaces aspartic acid 48 with glutamic acid.
Molecular consequence: missense variant.
Genome position (GRCh38, 1-based): chr17:4,932,748, C>G. VCF-style: chr17-4932748-C-G. GRCh37 (hg19) VCF-style: chr17-4836043-C-G.
Other names: short protein forms D48E.
Identifiers: ClinVar variation 3896121 (VCV003896121.2).